The following is an entry in ClinVar:

ClinVar aggregate classification (germline): Uncertain significance (1 of 4 stars; one submission).

Conditions:
Exostoses, multiple, type 2 (EXT2). Also called: EXOSTOSES, MULTIPLE, TYPE II; Hereditary Multiple Osteochondromatosis, Type II. Identifiers: Orphanet 321, MedGen C1851413, MONDO:0007586, OMIM 133701.

Allele frequency attached by ClinVar (database versions not stated): gnomAD exomes below 0.00001; gnomAD 0.00001; TOPMed 0.00001.
gnomAD v4.1: 3 of 1,613,986 alleles (0.00019%); highest among the groups gnomAD compares: Non-Finnish European, 0.00025%; no homozygotes.

Submission:

Labcorp Genetics (formerly Invitae), Labcorp
Classification: Uncertain significance for Exostoses, multiple, type 2. Last evaluated: 2023-05-20. Review status: criteria provided, single submitter. Criteria: Invitae Variant Classification Sherloc (09022015). Collection method: clinical testing. Allele origin: germline.
Comment: This sequence change replaces isoleucine, which is neutral and non-polar, with threonine, which is neutral and polar, at codon 459 of the EXT2 protein (p.Ile459Thr). This variant is not present in population databases (gnomAD no frequency). This variant has not been reported in the literature in individuals affected with EXT2-related conditions. Advanced modeling of protein sequence and biophysical properties (such as structural, functional, and spatial information, amino acid conservation, physicochemical variation, residue mobility, and thermodynamic stability) has been performed at Invitae for this missense variant, however the output from this modeling did not meet the statistical confidence thresholds required to predict the impact of this variant on EXT2 protein function. In summary, the available evidence is currently insufficient to determine the role of this variant in disease. Therefore, it has been classified as a Variant of Uncertain Significance.

NM_207122.2(EXT2):c.1376T>C (p.Ile459Thr)

Genes: EXT2 (exostosin glycosyltransferase 2; plus strand), LOC126861201 (MED14-independent group 3 enhancer GRCh37_chr11:44218806-44220005; plus strand). Cytogenetic location: 11p11.2.
Variant type: single nucleotide variant.
Coding change: c.1376T>C on transcript NM_207122.2 (MANE Select); coding-DNA position 1376, T replaced by C.
Protein change: p.Ile459Thr; replaces isoleucine 459 with threonine.
Molecular consequence: missense variant.
Genome position (GRCh38, 1-based): chr11:44,197,899, T>C. VCF-style: chr11-44197899-T-C. GRCh37 (hg19) VCF-style: chr11-44219449-T-C.
Other names: c.1475T>C, p.Ile492Thr (NM_000401.3); c.1406T>C, p.Ile469Thr (NM_001178083.3); c.1376T>C, p.Ile459Thr (NM_001389628.1, NM_001389630.1); short protein forms I469T, I492T, I459T.
Identifiers: ClinVar variation 3016391 (VCV003016391.3), dbSNP rs1955475862, ClinGen allele CA380179064.
Genomic context (GRCh38, chr11:44,197,899, plus strand): 5'-GCGTGAGCAATCCACTCTTCCTCCCGCTGATCCCACCACAGTCTCAAGGGTTCACCGCCA[T>C]AGTCCTCACCTACGACCGAGTAGAGAGCCTCTTCCGGGTCATCACTGAAGTGTCCAAGGT-3'
Protein context (NP_997005.1, residues 449-469): IPPQSQGFTA[Ile459Thr]VLTYDRVESL